The following is an entry in ClinVar:

NM_144701.3(IL23R):c.653-4C>A

Gene: IL23R (interleukin 23 receptor; plus strand). Cytogenetic location: 1p31.3.
Variant type: single nucleotide variant.
Coding change: c.653-4C>A on transcript NM_144701.3 (MANE Select); 4 bases into the intron before coding-DNA position 653, C replaced by A.
Molecular consequence: intron variant.
Genome position (GRCh38, 1-based): chr1:67,206,906, C>A. VCF-style: chr1-67206906-C-A. GRCh37 (hg19) VCF-style: chr1-67672589-C-A.
Identifiers: ClinVar variation 726485 (VCV000726485.6), dbSNP rs760090699, ClinGen allele CA523284958.

ClinVar aggregate classification (germline): Likely benign. Review status: criteria provided, single submitter (1 of 4 stars). 2 submissions from 2 submitters: Likely benign (1). 1 of the submissions does not count toward it. Last evaluated 2019-12-31.

Conditions:
IL23R-related disorder. Also called: IL23R-related condition.

Submissions (2):

Labcorp Genetics (formerly Invitae), Labcorp
Classification: Likely benign. Last evaluated: 2019-12-31. Review status: criteria provided, single submitter. Criteria: Invitae Variant Classification Sherloc (09022015). Collection method: clinical testing. Allele origin: germline.

PreventionGenetics, part of Exact Sciences
Classification: Likely benign for IL23R-related condition. Last evaluated: 2021-09-23. Review status: no assertion criteria provided. Collection method: clinical testing. Allele origin: germline. Not counted in ClinVar's aggregate classification.
Comment: This variant is classified as likely benign based on ACMG/AMP sequence variant interpretation guidelines (Richards et al. 2015 PMID: 25741868, with internal and published modifications).